The following is an entry in ClinVar:

NM_000059.4(BRCA2):c.7965A>T (p.Gln2655His)

Gene: BRCA2 (BRCA2 DNA repair associated; plus strand). Cytogenetic location: 13q13.1.
Variant type: single nucleotide variant.
Coding change: c.7965A>T on transcript NM_000059.4 (MANE Select); coding-DNA position 7965, A replaced by T.
Protein change: p.Gln2655His; replaces glutamine 2655 with histidine.
Molecular consequence: missense variant. On other transcripts: non-coding transcript variant (1).
Genome position (GRCh38, 1-based): chr13:32,362,682, A>T. VCF-style: chr13-32362682-A-T. GRCh37 (hg19) VCF-style: chr13-32936819-A-T.
Other names: c.7869A>T, p.Gln2623His (NM_001406719.1); c.7965A>T, p.Gln2655His (NM_001406720.1); c.3033A>T, p.Gln1011His (NM_001406721.1); c.1548A>T, p.Gln516His (NM_001406722.1); short protein forms Q1011H, Q2655H, Q516H, Q2623H.
Identifiers: ClinVar variation 2565991 (VCV002565991.2), dbSNP rs888703174, ClinGen allele CA387747311.

ClinVar aggregate classification (germline): Uncertain significance (1 of 4 stars; one submission).

Conditions:
Hereditary cancer-predisposing syndrome. Also called: Neoplastic Syndromes, Hereditary; Hereditary Cancer Syndrome; Hereditary neoplastic syndrome; Tumor predisposition. Identifiers: Orphanet 140162, MedGen C0027672, MeSH D009386, MONDO:0015356.

Submission:

Ambry Genetics
Classification: Uncertain significance for Hereditary cancer-predisposing syndrome. Last evaluated: 2023-04-27. Review status: criteria provided, single submitter. Criteria: Ambry Variant Classification Scheme 2023. Collection method: clinical testing. Allele origin: germline.
Comment: The p.Q2655H variant (also known as c.7965A>T), located in coding exon 16 of the BRCA2 gene, results from an A to T substitution at nucleotide position 7965. The glutamine at codon 2655 is replaced by histidine, an amino acid with highly similar properties. This amino acid position is highly conserved in available vertebrate species. In addition, this alteration is predicted to be deleterious by in silico analysis. Since supporting evidence is limited at this time, the clinical significance of this alteration remains unclear.